The following is an entry in ClinVar:

NM_000297.4(PKD2):c.783C>T (p.Pro261=)

Gene: PKD2 (polycystin 2, transient receptor potential cation channel; plus strand). Cytogenetic location: 4q22.1.
Variant type: single nucleotide variant.
Coding change: c.783C>T on transcript NM_000297.4 (MANE Select); coding-DNA position 783, C replaced by T.
Protein change: p.Pro261=; no amino-acid change (proline 261 retained).
Molecular consequence: synonymous variant. On other transcripts: non-coding transcript variant (1).
Genome position (GRCh38, 1-based): chr4:88,036,293, C>T. VCF-style: chr4-88036293-C-T. GRCh37 (hg19) VCF-style: chr4-88957445-C-T.
Other names: c.783C>T (NM_000297.3).
Identifiers: ClinVar variation 1111461 (VCV001111461.11), dbSNP rs766343471, ClinGen allele CA3003800.
Genomic context (GRCh38, chr4:88,036,293, plus strand): 5'-GATGAGCTCCAATGTGTACTACTACACCCGGATGATGTCACAGCTCTTCCTAGACACCCC[C>T]GTGTCCAAAACGGAGAAAACTAACTTTAAAACTCTGTCTTCCATGGAAGACTTCTGGAAG-3'
Protein context (NP_000288.1, residues 251-271): RMMSQLFLDT[Pro261=]VSKTEKTNFK

ClinVar aggregate classification (germline): Likely benign. Review status: criteria provided, multiple submitters, no conflicts (2 of 4 stars). 3 submissions from 3 submitters: Likely benign (3). Last evaluated 2025-12-03.

Conditions:
PKD2-related disorder. Also called: PKD2-related condition.
Polycystic kidney disease 2 (PKD2). Also called: POLYCYSTIC KIDNEY DISEASE, ADULT, TYPE II; Polycystic Kidney Disease 2, Autosomal Dominant; POLYCYSTIC KIDNEY DISEASE 2 WITH OR WITHOUT POLYCYSTIC LIVER DISEASE. Identifiers: MedGen C2751306, MONDO:0013131, OMIM 613095.
Autosomal dominant polycystic kidney disease. Identifiers: Orphanet 730, MedGen C0085413, MONDO:0004691.

Allele frequency attached by ClinVar (database versions not stated): gnomAD 0.00001; TOPMed 0.00001.

Submissions (3):

PreventionGenetics, part of Exact Sciences
Classification: Likely benign for PKD2-related condition. Last evaluated: 2025-12-03. Review status: criteria provided, single submitter. Criteria: ACMG Guidelines, 2015. Collection method: clinical testing. Allele origin: germline.
Comment: This variant is classified as likely benign based on ACMG/AMP sequence variant interpretation guidelines (Richards et al. 2015 PMID: 25741868, with internal and published modifications).

Labcorp Genetics (formerly Invitae), Labcorp
Classification: Likely benign for Autosomal dominant polycystic kidney disease. Last evaluated: 2025-08-25. Review status: criteria provided, single submitter. Criteria: Invitae Variant Classification Sherloc (09022015). Collection method: clinical testing. Allele origin: germline.

Fulgent Genetics
Classification: Likely benign for Polycystic kidney disease 2. Last evaluated: 2022-01-19. Review status: criteria provided, single submitter. Criteria: ACMG Guidelines, 2015. Collection method: clinical testing. Allele origin: unknown.